The following is an entry in ClinVar:

NM_000484.4(APP):c.1457G>A (p.Arg486Gln)

Gene: APP (amyloid beta precursor protein; minus strand). Cytogenetic location: 21q21.3.
Variant type: single nucleotide variant.
Coding change: c.1457G>A on transcript NM_000484.4 (MANE Select); coding-DNA position 1457, G replaced by A.
Protein change: p.Arg486Gln; replaces arginine 486 with glutamine.
Molecular consequence: missense variant.
Genome position (GRCh38, 1-based): chr21:25,975,071, C>T on the plus strand (G>A on the coding strand, the complement: APP is on the minus strand). VCF-style: chr21-25975071-C-T. GRCh37 (hg19) VCF-style: chr21-27347384-C-T.
Other names: c.1385G>A, p.Arg462Gln (NM_001136016.3); c.1064G>A, p.Arg355Gln (NM_001136129.3); c.1289G>A, p.Arg430Gln (NM_001136130.3, NM_001385253.1); c.1127G>A, p.Arg376Gln (NM_001136131.3); c.1457G>A, p.Arg486Gln (NM_001204301.2); c.1400G>A, p.Arg467Gln (NM_001204302.2, NM_201413.3); c.1232G>A, p.Arg411Gln (NM_001204303.2, NM_201414.3); short protein forms R486Q, R430Q, R462Q, R355Q, R411Q, R467Q, R376Q.
Identifiers: ClinVar variation 585428 (VCV000585428.5), dbSNP rs200268317, ClinGen allele CA9987323.

ClinVar aggregate classification (germline): Uncertain significance. Review status: criteria provided, multiple submitters, no conflicts (2 of 4 stars). 2 submissions from 2 submitters: Uncertain significance (2). Last evaluated 2023-09-11.

Conditions:
Alzheimer disease. Also called: Alzheimer's disease; Presenile and senile dementia. Identifiers: Orphanet 1020, MedGen C0002395, MeSH D000544, MONDO:0004975, HP:0002511.

Allele frequency attached by ClinVar (database versions not stated): TOPMed 0.00001; 1000 Genomes Project 30x 0.00016; 1000 Genomes Project 0.00020; gnomAD below 0.00001 and 0.00001; ExAC 0.00001; gnomAD exomes 0.00001.
gnomAD v4.1: 41 of 1,614,038 alleles (0.0025%); highest among the groups gnomAD compares: South Asian, 0.0033%; no homozygotes.

Submissions (2):

Labcorp Genetics (formerly Invitae), Labcorp
Classification: Uncertain significance for Alzheimer disease. Last evaluated: 2023-09-11. Review status: criteria provided, single submitter. Criteria: Invitae Variant Classification Sherloc (09022015). Collection method: clinical testing. Allele origin: germline.
Comment: This sequence change replaces arginine, which is basic and polar, with glutamine, which is neutral and polar, at codon 486 of the APP protein (p.Arg486Gln). This variant is present in population databases (rs200268317, gnomAD 0.003%). In summary, the available evidence is currently insufficient to determine the role of this variant in disease. Therefore, it has been classified as a Variant of Uncertain Significance. An algorithm developed to predict the effect of missense changes on protein structure and function (PolyPhen-2) suggests that this variant is likely to be tolerated. ClinVar contains an entry for this variant (Variation ID: 585428). This variant has not been reported in the literature in individuals affected with APP-related conditions.

Athena Diagnostics
Classification: Uncertain significance. Last evaluated: 2018-05-04. Review status: criteria provided, single submitter. Criteria: Athena Diagnostics Criteria. Collection method: clinical testing. Allele origin: germline.